The following is an entry in ClinVar:

ClinVar aggregate classification (germline): Likely pathogenic (0 of 4 stars; one submission).

Conditions:
BBS1-related disorder. Also called: BBS1-related condition.

Submission:

PreventionGenetics, part of Exact Sciences
Classification: Likely pathogenic for BBS1-related condition. Last evaluated: 2023-11-20. Review status: no assertion criteria provided. Collection method: clinical testing. Allele origin: germline.
Comment: The BBS1 c.592-1G>C variant is predicted to disrupt the AG splice acceptor site and interfere with normal splicing. To our knowledge, this variant has not been reported in the literature or in a large population database, indicating this variant is rare. Variants that disrupt the consensus splice acceptor site in BBS1 are expected to be pathogenic. This variant is interpreted as likely pathogenic.

NM_024649.5(BBS1):c.592-1G>C

Gene: BBS1 (Bardet-Biedl syndrome 1; plus strand). Cytogenetic location: 11q13.2.
Variant type: single nucleotide variant.
Coding change: c.592-1G>C on transcript NM_024649.5 (MANE Select); the canonical splice acceptor site of the intron before coding-DNA position 592, G replaced by C.
Molecular consequence: splice acceptor variant.
Genome position (GRCh38, 1-based): chr11:66,519,616, G>C. VCF-style: chr11-66519616-G-C. GRCh37 (hg19) VCF-style: chr11-66287087-G-C.
Identifiers: ClinVar variation 3349873 (VCV003349873.1).